The following is an entry in ClinVar:

ClinVar aggregate classification (germline): Likely pathogenic (1 of 4 stars; one submission).

Conditions:
Hermansky-Pudlak syndrome 3 (HPS3). Identifiers: Orphanet 231512, Orphanet 79430, MedGen C3888001, MONDO:0013555, OMIM 614072.

Submission:

Myriad Genetics, Inc.
Classification: Likely pathogenic for Hermansky-Pudlak syndrome 3. Last evaluated: 2022-01-24. Review status: criteria provided, single submitter. Criteria: Myriad Women's Health Autosomal Recessive and X-Linked Classification Criteria (2021). Collection method: clinical testing. Allele origin: unknown.
Comment: NM_032383.3(HPS3):c.2080A>T(R694*) is expected to be pathogenic in the context of Hermansky-Pudlak syndrome type 3. This variant is predicted to lead to an abnormal or absent protein product due to the creation of a premature termination codon in HPS3, a gene where loss-of-function variants are known to be pathogenic. Please note: this variant was assessed in the context of healthy population screening.

NM_032383.5(HPS3):c.2080A>T (p.Arg694Ter)

Gene: HPS3 (HPS3 biogenesis of lysosomal organelles complex 2 subunit 1; plus strand). Cytogenetic location: 3q24.
Variant type: single nucleotide variant.
Coding change: c.2080A>T on transcript NM_032383.5 (MANE Select); coding-DNA position 2080, A replaced by T.
Protein change: p.Arg694Ter; replaces arginine 694 with a stop codon.
Molecular consequence: nonsense.
Genome position (GRCh38, 1-based): chr3:149,160,253, A>T. VCF-style: chr3-149160253-A-T. GRCh37 (hg19) VCF-style: chr3-148878040-A-T.
Other names: c.1585A>T, p.Arg529Ter (NM_001308258.2); short protein forms R529*, R694*.
Identifiers: ClinVar variation 1724075 (VCV001724075.2), dbSNP rs767709648, ClinGen allele CA354923687.